The following is an entry in ClinVar:

ClinVar aggregate classification (germline): Uncertain significance (1 of 4 stars; one submission).

gnomAD v4.1: 21 of 1,613,028 alleles (0.0013%); highest among the groups gnomAD compares: Middle Eastern, 0.049%; no homozygotes.

Submission:

Labcorp Genetics (formerly Invitae), Labcorp
Classification: Uncertain significance. Last evaluated: 2024-10-26. Review status: criteria provided, single submitter. Criteria: Invitae Variant Classification Sherloc (09022015). Collection method: clinical testing. Allele origin: germline.
Comment: This sequence change replaces arginine, which is basic and polar, with leucine, which is neutral and non-polar, at codon 684 of the CARMIL2 protein (p.Arg684Leu). This variant is present in population databases (rs181809876, gnomAD 0.01%). This variant has not been reported in the literature in individuals affected with CARMIL2-related conditions. Invitae Evidence Modeling of protein sequence and biophysical properties (such as structural, functional, and spatial information, amino acid conservation, physicochemical variation, residue mobility, and thermodynamic stability) indicates that this missense variant is not expected to disrupt CARMIL2 protein function with a negative predictive value of 80%. In summary, the available evidence is currently insufficient to determine the role of this variant in disease. Therefore, it has been classified as a Variant of Uncertain Significance.

NM_001013838.3(CARMIL2):c.2051G>T (p.Arg684Leu)

Gene: CARMIL2 (capping protein regulator and myosin 1 linker 2; plus strand). Cytogenetic location: 16q22.1.
Variant type: single nucleotide variant.
Coding change: c.2051G>T on transcript NM_001013838.3 (MANE Select); coding-DNA position 2051, G replaced by T.
Protein change: p.Arg684Leu; replaces arginine 684 with leucine.
Molecular consequence: missense variant.
Genome position (GRCh38, 1-based): chr16:67,649,937, G>T. VCF-style: chr16-67649937-G-T. GRCh37 (hg19) VCF-style: chr16-67683840-G-T.
Other names: c.1943G>T, p.Arg648Leu (NM_001317026.3); short protein forms R648L, R684L.
Identifiers: ClinVar variation 3604526 (VCV003604526.1).